The following is an entry in ClinVar:

NM_016156.6(MTMR2):c.804+301T>G

Gene: MTMR2 (myotubularin related protein 2; minus strand). Cytogenetic location: 11q21.
Variant type: single nucleotide variant.
Coding change: c.804+301T>G on transcript NM_016156.6 (MANE Select); 301 bases into the intron after coding-DNA position 804, T replaced by G.
Molecular consequence: intron variant.
Genome position (GRCh38, 1-based): chr11:95,850,299, A>C on the plus strand (T>G on the coding strand, the complement: MTMR2 is on the minus strand). VCF-style: chr11-95850299-A-C. GRCh37 (hg19) VCF-style: chr11-95583463-A-C.
Other names: c.588+301T>G (NM_201281.3, NM_201278.3, NM_001243571.2).
Identifiers: ClinVar variation 673629 (VCV000673629.1), dbSNP rs138909020, ClinGen allele CA226602597.

ClinVar aggregate classification (germline): Likely benign (1 of 4 stars; one submission).

Allele frequency attached by ClinVar (database versions not stated): TOPMed 0.01350; 1000 Genomes Project 0.00819.

Submission:

GeneDx
Classification: Likely benign. Last evaluated: 2018-06-16. Review status: criteria provided, single submitter. Criteria: GeneDx Variant Classification (06012015). Collection method: clinical testing. Allele origin: germline. Affected: yes.
Comment: This variant is considered likely benign or benign based on one or more of the following criteria: it is a conservative change, it occurs at a poorly conserved position in the protein, it is predicted to be benign by multiple in silico algorithms, and/or has population frequency not consistent with disease.